The following is an entry in ClinVar:

NM_001113378.2(FANCI):c.1870A>G (p.Met624Val)

Gene: FANCI (FA complementation group I; plus strand). Cytogenetic location: 15q26.1.
Variant type: single nucleotide variant.
Coding change: c.1870A>G on transcript NM_001113378.2 (MANE Select); coding-DNA position 1870, A replaced by G.
Protein change: p.Met624Val; replaces methionine 624 with valine.
Molecular consequence: missense variant.
Genome position (GRCh38, 1-based): chr15:89,290,261, A>G. VCF-style: chr15-89290261-A-G. GRCh37 (hg19) VCF-style: chr15-89833492-A-G.
Other names: c.1591A>G, p.Met531Val (NM_001376910.1); c.1870A>G, p.Met624Val (NM_001376911.1, NM_018193.3); short protein forms M531V, M624V.
Identifiers: ClinVar variation 1058907 (VCV001058907.9), dbSNP rs772744597, ClinGen allele CA393747769.

ClinVar aggregate classification (germline): Uncertain significance (1 of 4 stars; one submission).

Conditions:
Fanconi anemia (FA). Also called: Fanconi's anemia. Identifiers: Orphanet 84, MedGen C0015625, MeSH D005199, MONDO:0019391.

gnomAD v4.1: 1 of 1,613,800 alleles (0.000062%); no homozygotes.

Submission:

Labcorp Genetics (formerly Invitae), Labcorp
Classification: Uncertain significance for Fanconi anemia. Last evaluated: 2020-04-06. Review status: criteria provided, single submitter. Criteria: Invitae Variant Classification Sherloc (09022015). Collection method: clinical testing. Allele origin: germline.
Comment: In summary, the available evidence is currently insufficient to determine the role of this variant in disease. Therefore, it has been classified as a Variant of Uncertain Significance. Algorithms developed to predict the effect of missense changes on protein structure and function (SIFT, PolyPhen-2, Align-GVGD) all suggest that this variant is likely to be tolerated, but these predictions have not been confirmed by published functional studies and their clinical significance is uncertain. This variant has not been reported in the literature in individuals with FANCI-related conditions. This variant is not present in population databases (ExAC no frequency). This sequence change replaces methionine with valine at codon 624 of the FANCI protein (p.Met624Val). The methionine residue is moderately conserved and there is a small physicochemical difference between methionine and valine.